The following is an entry in ClinVar:

NM_001715.3(BLK):c.980A>T (p.Asp327Val)

Genes: BLK (BLK proto-oncogene, Src family tyrosine kinase), BLK-AS1 (BLK antisense RNA 1). Cytogenetic location: 8p23.1.
Variant type: single nucleotide variant.
Coding change: c.980A>T on transcript NM_001715.3 (MANE Select); coding-DNA position 980, A replaced by T.
Protein change: p.Asp327Val; replaces aspartic acid 327 with valine.
Molecular consequence: missense variant.
Genome position (GRCh38, 1-based): chr8:11,557,989, A>T. VCF-style: chr8-11557989-A-T. GRCh37 (hg19) VCF-style: chr8-11415498-A-T.
Other names: c.767A>T, p.Asp256Val (NM_001330465.2); short protein forms D327V, D256V.
Identifiers: ClinVar variation 910816 (VCV000910816.9), dbSNP rs138333004, ClinGen allele CA4630199.

ClinVar aggregate classification (germline): Conflicting classifications of pathogenicity. Review status: criteria provided, conflicting classifications (1 of 4 stars). 3 submissions from 3 submitters: Uncertain significance (1); Likely benign (2). Last evaluated 2025-10-09.

Conditions:
Maturity-onset diabetes of the young type 11. Identifiers: Orphanet 552, MedGen C3150618, MONDO:0013242, OMIM 613375.

Allele frequency attached by ClinVar (database versions not stated): gnomAD exomes 0.00020 and 0.00027; ExAC 0.00026; ESP Exome Variant Server 0.00038; TOPMed 0.00022; gnomAD 0.00023 and 0.00024.
gnomAD v4.1: 321 of 1,613,978 alleles (0.02%); highest among the groups gnomAD compares: Non-Finnish European, 0.023%; no homozygotes.

Submissions (3):

Labcorp Genetics (formerly Invitae), Labcorp
Classification: Uncertain significance. Last evaluated: 2025-10-09. Review status: criteria provided, single submitter. Criteria: Invitae Variant Classification Sherloc (09022015). Collection method: clinical testing. Allele origin: germline.
Comment: This sequence change replaces aspartic acid, which is acidic and polar, with valine, which is neutral and non-polar, at codon 327 of the BLK protein (p.Asp327Val). This variant is present in population databases (rs138333004, gnomAD 0.06%), and has an allele count higher than expected for a pathogenic variant. This variant has not been reported in the literature in individuals affected with BLK-related conditions. ClinVar contains an entry for this variant (Variation ID: 910816). An algorithm developed to predict the effect of missense changes on protein structure and function (PolyPhen-2) suggests that this variant is likely to be tolerated. In summary, the available evidence is currently insufficient to determine the role of this variant in disease. Therefore, it has been classified as a Variant of Uncertain Significance.

Blueprint Genetics
Classification: Likely benign. Last evaluated: 2024-11-04. Review status: criteria provided, single submitter. Criteria: ACMG Guidelines, 2015. Collection method: clinical testing. Allele origin: germline.

Illumina Laboratory Services, Illumina
Classification: Likely benign for Maturity-onset diabetes of the young type 11. Last evaluated: 2018-01-13. Review status: criteria provided, single submitter. Criteria: ICSL Variant Classification Criteria 13 December 2019. Collection method: clinical testing. Allele origin: germline.
Comment: This variant was observed in the ICSL laboratory as part of a predisposition screen in an ostensibly healthy population. It had not been previously curated by ICSL or reported in the Human Gene Mutation Database (HGMD: prior to June 1st, 2018), and was therefore a candidate for classification through an automated scoring system. Utilizing variant allele frequency, disease prevalence and penetrance estimates, and inheritance mode, an automated score was calculated to assess if this variant is too frequent to cause the disease. Based on the score and internal cut-off values, a variant classified as likely benign is not then subjected to further curation. The score for this variant resulted in a classification of likely benign for this disease.